The following is an entry in ClinVar:

NM_016507.4(CDK12):c.349A>G (p.Arg117Gly)

Genes: CDK12 (cyclin dependent kinase 12; plus strand), LOC126862553 (CDK7 strongly-dependent group 2 enhancer GRCh37_chr17:37618166-37619365; plus strand). Cytogenetic location: 17q12.
Variant type: single nucleotide variant.
Coding change: c.349A>G on transcript NM_016507.4 (MANE Select); coding-DNA position 349, A replaced by G.
Protein change: p.Arg117Gly; replaces arginine 117 with glycine.
Molecular consequence: missense variant.
Genome position (GRCh38, 1-based): chr17:39,462,420, A>G. VCF-style: chr17-39462420-A-G. GRCh37 (hg19) VCF-style: chr17-37618673-A-G.
Other names: c.349A>G, p.Arg117Gly (NM_015083.4); short protein forms R117G.
Identifiers: ClinVar variation 3141473 (VCV003141473.2), dbSNP rs765207917, ClinGen allele CA8530962.

ClinVar aggregate classification (germline): Uncertain significance (1 of 4 stars; one submission).

Allele frequency attached by ClinVar (database versions not stated): gnomAD exomes 0.00001; ExAC 0.00002.
gnomAD v4.1: 17 of 1,614,172 alleles (0.0011%); highest among the groups gnomAD compares: South Asian, 0.018%; no homozygotes.

Submission:

Ambry Genetics
Classification: Uncertain significance. Last evaluated: 2024-12-20. Review status: criteria provided, single submitter. Criteria: Ambry Variant Classification Scheme 2023. Collection method: clinical testing. Allele origin: germline.
Comment: The p.R117G variant (also known as c.349A>G), located in coding exon 1 of the CDK12 gene, results from an A to G substitution at nucleotide position 349. The arginine at codon 117 is replaced by glycine, an amino acid with dissimilar properties. This amino acid position is conserved. In addition, this alteration is predicted to be tolerated by in silico analysis. Based on the available evidence, the clinical significance of this variant remains unclear.